The following is an entry in ClinVar:

NM_032444.4(SLX4):c.2675C>T (p.Ala892Val)

Gene: SLX4 (SLX4 structure-specific endonuclease subunit; minus strand). Cytogenetic location: 16p13.3.
Variant type: single nucleotide variant.
Coding change: c.2675C>T on transcript NM_032444.4 (MANE Select); coding-DNA position 2675, C replaced by T.
Protein change: p.Ala892Val; replaces alanine 892 with valine.
Molecular consequence: missense variant.
Genome position (GRCh38, 1-based): chr16:3,590,963, G>A on the plus strand (C>T on the coding strand, the complement: SLX4 is on the minus strand). VCF-style: chr16-3590963-G-A. GRCh37 (hg19) VCF-style: chr16-3640964-G-A.
Other names: c.2675C>T (LRG_503t1); short protein forms A892V.
Identifiers: ClinVar variation 452112 (VCV000452112.13), dbSNP rs1368217140, ClinGen allele CA394523197.
Genomic context (GRCh38, chr16:3,590,963, plus strand): 5'-CCTGGCTCCAACGGCTCCATCTCCTCCACCTTGTCCCACTGTTTCTGCACCTGGACACCT[G>A]CTAGGAGTTGCCCAGAAACCGGACTGCCACCCTCCAGCCAGTCAGCGTCCTCGCCGGCAC-3'
Protein context (NP_115820.2, residues 882-902): GGSPVSGQLL[Ala892Val]GVQVQKQWDK

ClinVar aggregate classification (germline): Uncertain significance. Review status: criteria provided, multiple submitters, no conflicts (2 of 4 stars). 3 submissions from 3 submitters: Uncertain significance (3). Last evaluated 2026-01-01.

Conditions:
Fanconi anemia (FA). Also called: Fanconi's anemia. Identifiers: Orphanet 84, MedGen C0015625, MeSH D005199, MONDO:0019391.

Allele frequency attached by ClinVar (database versions not stated): gnomAD exomes below 0.00001 and 0.00001; gnomAD 0.00001; TOPMed 0.00001.
gnomAD v4.1: 11 of 1,614,164 alleles (0.00068%); highest among the groups gnomAD compares: Middle Eastern, 0.049%; no homozygotes.

Submissions (3):

CeGaT Center for Human Genetics Tuebingen
Classification: Uncertain significance. Last evaluated: 2026-01-01. Review status: criteria provided, single submitter. Criteria: CeGaT Center For Human Genetics Tuebingen Variant Classification Criteria Version 2. Collection method: clinical testing. Allele origin: germline. Affected: yes. Observed: 1 variant allele.
Comment: SLX4: PM2, BP4

Labcorp Genetics (formerly Invitae), Labcorp
Classification: Uncertain significance for Fanconi anemia. Last evaluated: 2023-12-11. Review status: criteria provided, single submitter. Criteria: Invitae Variant Classification Sherloc (09022015). Collection method: clinical testing. Allele origin: germline.
Comment: This sequence change replaces alanine, which is neutral and non-polar, with valine, which is neutral and non-polar, at codon 892 of the SLX4 protein (p.Ala892Val). This variant is present in population databases (no rsID available, gnomAD 0.003%). This variant has not been reported in the literature in individuals affected with SLX4-related conditions. ClinVar contains an entry for this variant (Variation ID: 452112). An algorithm developed to predict the effect of missense changes on protein structure and function (PolyPhen-2) suggests that this variant¬†is likely to be tolerated. In summary, the available evidence is currently insufficient to determine the role of this variant in disease. Therefore, it has been classified as a Variant of Uncertain Significance.

GeneDx
Classification: Uncertain significance. Last evaluated: 2017-09-20. Review status: criteria provided, single submitter. Criteria: GeneDx Variant Classification (06012015). Collection method: clinical testing. Allele origin: germline. Affected: yes.
Comment: The A892V variant in the SLX4 gene has not been reported previously as a pathogenic variant, nor as a benign variant, to our knowledge. The A892V variant is not observed in large population cohorts (Lek et al., 2016). The A892V variant is a conservative amino acid substitution, which is not likely to impact secondary protein structure as these residues share similar properties. This substitution occurs at a position that is not conserved. In silico analysis predicts this variant likely does not alter the protein structure/function. We interpret A892V as a variant of uncertain significance.